The following is an entry in ClinVar:

ClinVar aggregate classification (germline): Uncertain significance. Review status: criteria provided, multiple submitters, no conflicts (2 of 4 stars). 2 submissions from 2 submitters: Uncertain significance (2). Last evaluated 2022-10-24.

Conditions:
Trichohepatoenteric syndrome 2 (THES2). Identifiers: Orphanet 84064, MedGen C3281289, MONDO:0013818, OMIM 614602.

Allele frequency attached by ClinVar (database versions not stated): ExAC 0.00002; TOPMed 0.00016.
gnomAD v4.1: 14 of 1,614,082 alleles (0.00087%); highest among the groups gnomAD compares: Admixed American, 0.015%; no homozygotes.

Submissions (2):

Labcorp Genetics (formerly Invitae), Labcorp
Classification: Uncertain significance. Last evaluated: 2022-10-24. Review status: criteria provided, single submitter. Criteria: Invitae Variant Classification Sherloc (09022015). Collection method: clinical testing. Allele origin: germline.
Comment: This sequence change replaces glutamine, which is neutral and polar, with leucine, which is neutral and non-polar, at codon 1156 of the SKIV2L protein (p.Gln1156Leu). This variant is present in population databases (rs747936095, gnomAD 0.003%). This variant has not been reported in the literature in individuals affected with SKIV2L-related conditions. ClinVar contains an entry for this variant (Variation ID: 356351). Algorithms developed to predict the effect of missense changes on protein structure and function are either unavailable or do not agree on the potential impact of this missense change (SIFT: "Deleterious"; PolyPhen-2: "Benign"; Align-GVGD: "Class C0"). In summary, the available evidence is currently insufficient to determine the role of this variant in disease. Therefore, it has been classified as a Variant of Uncertain Significance.

Illumina Laboratory Services, Illumina
Classification: Uncertain significance for Trichohepatoenteric syndrome 2. Last evaluated: 2018-01-13. Review status: criteria provided, single submitter. Criteria: ICSL Variant Classification Criteria 13 December 2019. Collection method: clinical testing. Allele origin: germline.

NM_006929.5(SKIC2):c.3467A>T (p.Gln1156Leu)

Gene: SKIC2 (SKI2 subunit of superkiller complex; plus strand). Cytogenetic location: 6p21.33.
Variant type: single nucleotide variant.
Coding change: c.3467A>T on transcript NM_006929.5 (MANE Select); coding-DNA position 3467, A replaced by T.
Protein change: p.Gln1156Leu; replaces glutamine 1156 with leucine.
Molecular consequence: missense variant.
Genome position (GRCh38, 1-based): chr6:31,969,347, A>T. VCF-style: chr6-31969347-A-T. GRCh37 (hg19) VCF-style: chr6-31937124-A-T.
Other names: short protein forms Q1156L.
Identifiers: ClinVar variation 356351 (VCV000356351.7), dbSNP rs747936095, ClinGen allele CA3730064.